The following is an entry in ClinVar:

ClinVar aggregate classification (germline): Likely benign. Review status: criteria provided, multiple submitters, no conflicts (2 of 4 stars). 2 submissions from 2 submitters: Likely benign (2). Last evaluated 2026-07-08.

Conditions:
Rhabdoid tumor predisposition syndrome 2 (RTPS2). Identifiers: Orphanet 231108, Orphanet 69077, MedGen C2750074, MONDO:0013224, OMIM 613325.

gnomAD v4.1: 1 of 1,587,584 alleles (0.000063%); highest among the groups gnomAD compares: South Asian, 0.0011%; no homozygotes.

Submissions (2):

Myriad Genetics, Inc.
Classification: Likely benign for Rhabdoid tumor predisposition syndrome 2. Last evaluated: 2026-07-08. Review status: criteria provided, single submitter. Criteria: Myriad Autosomal Dominant, Autosomal Recessive and X-Linked Classification Criteria (2023). Collection method: clinical testing. Allele origin: unknown.
Comment: This variant is considered likely benign. This variant is intronic and is not expected to impact mRNA splicing.

Labcorp Genetics (formerly Invitae), Labcorp
Classification: Likely benign for Rhabdoid tumor predisposition syndrome 2. Last evaluated: 2024-09-12. Review status: criteria provided, single submitter. Criteria: Invitae Variant Classification Sherloc (09022015). Collection method: clinical testing. Allele origin: germline.

NM_003072.5(SMARCA4):c.4533+7C>T

Gene: SMARCA4 (SWI/SNF related BAF chromatin remodeling complex subunit ATPase 4; plus strand). Cytogenetic location: 19p13.2.
Variant type: single nucleotide variant.
Coding change: c.4533+7C>T on transcript NM_003072.5 (MANE Select); 7 bases into the intron after coding-DNA position 4533, C replaced by T.
Molecular consequence: intron variant.
Genome position (GRCh38, 1-based): chr19:11,058,370, C>T. VCF-style: chr19-11058370-C-T. GRCh37 (hg19) VCF-style: chr19-11169046-C-T.
Other names: c.4629+7C>T (NM_001128849.3, NM_001387283.1); c.4434+7C>T (NM_001128847.4, NM_001374457.1); c.4443+7C>T (NM_001128845.2); c.4440+7C>T (NM_001128846.2); c.4431+7C>T (NM_001128848.2); c.4533+7C>T (NM_001128844.3).
Identifiers: ClinVar variation 470409 (VCV000470409.9), dbSNP rs1298157926, ClinGen allele CA658658772.